The following is an entry in ClinVar:

ClinVar aggregate classification (germline): Likely pathogenic (1 of 4 stars; one submission).

Conditions:
Very long chain acyl-CoA dehydrogenase deficiency (ACADVLD). Also called: Very Long-Chain Acyl-Coenzyme A Dehydrogenase Deficiency; VLCAD Deficiency. Identifiers: Orphanet 26793, MedGen C3887523, MONDO:0008723, OMIM 201475.

Submission:

Labcorp Genetics (formerly Invitae), Labcorp
Classification: Likely pathogenic for Very long chain acyl-CoA dehydrogenase deficiency. Last evaluated: 2020-06-10. Review status: criteria provided, single submitter. Criteria: Invitae Variant Classification Sherloc (09022015). Collection method: clinical testing. Allele origin: germline.
Comment: In summary, the currently available evidence indicates that the variant is pathogenic, but additional data are needed to prove that conclusively. Therefore, this variant has been classified as Likely Pathogenic. Donor and acceptor splice site variants typically lead to a loss of protein function (PMID: 16199547), and loss-of-function variants in ACADVL are known to be pathogenic (PMID: 9973285, 11590124). Algorithms developed to predict the effect of sequence changes on RNA splicing suggest that this variant may disrupt the consensus splice site, but this prediction has not been confirmed by published transcriptional studies. This variant has not been reported in the literature in individuals with ACADVL-related conditions. This variant is not present in population databases (ExAC no frequency). This sequence change affects an acceptor splice site in intron 3 of the ACADVL gene. It is expected to disrupt RNA splicing and likely results in an absent or disrupted protein product.

Literature cited by the submitters: PubMed 16199547; PubMed 9973285; PubMed 11590124.

NM_000018.4(ACADVL):c.205-2A>T

Gene: ACADVL (acyl-CoA dehydrogenase very long chain; plus strand). Cytogenetic location: 17p13.1.
Variant type: single nucleotide variant.
Coding change: c.205-2A>T on transcript NM_000018.4 (MANE Select); the canonical splice acceptor site of the intron before coding-DNA position 205, A replaced by T.
Molecular consequence: splice acceptor variant.
Genome position (GRCh38, 1-based): chr17:7,220,602, A>T. VCF-style: chr17-7220602-A-T. GRCh37 (hg19) VCF-style: chr17-7123921-A-T.
Other names: c.274-2A>T (NM_001270447.2); c.-24-2A>T (NM_001270448.2); c.139-2A>T (NM_001033859.3).
Identifiers: ClinVar variation 1066683 (VCV001066683.7), dbSNP rs1597518954, ClinGen allele CA397722318.